The following is an entry in ClinVar:

ClinVar aggregate classification (germline): Likely pathogenic (1 of 4 stars; one submission).

Submission:

GeneDx
Classification: Likely pathogenic. Last evaluated: 2024-07-29. Review status: criteria provided, single submitter. Criteria: GeneDx Variant Classification Process June 2021. Collection method: clinical testing. Allele origin: germline. Affected: yes.
Comment: Nonsense variant predicted to result in protein truncation, as the last 411 amino acids are lost, and other loss-of-function variants have been reported downstream in HGMD; Not observed at significant frequency in large population cohorts (gnomAD); Has not been previously published as pathogenic or benign to our knowledge; This variant is associated with the following publications: (PMID: 35328080)

NM_173495.3(PTCHD1):c.1433dup (p.Tyr478Ter)

Gene: PTCHD1 (patched domain containing 1; plus strand). Cytogenetic location: Xp22.11.
Variant type: Duplication.
Coding change: c.1433dup on transcript NM_173495.3 (MANE Select); coding-DNA position 1433, one base duplicated (A; older notation c.1433dupA).
Protein change: p.Tyr478Ter; replaces tyrosine 478 with a stop codon.
Molecular consequence: nonsense.
Genome position (GRCh38, 1-based): chrX:23,392,951, A duplicated. VCF-style (leftmost placement, unchanged base first): chrX-23392950-T-TA. GRCh37 (hg19) VCF-style: chrX-23411067-T-TA.
Other names: c.1433dupA (NM_173495.2); c.1433dup (NM_173495.2); short protein forms Y478*.
Identifiers: ClinVar variation 423632 (VCV000423632.3), dbSNP rs1555912699, ClinGen allele CA16621347.